The following is an entry in ClinVar:

NM_178013.4(PRIMA1):c.11G>A (p.Arg4Gln)

Gene: PRIMA1 (proline rich membrane anchor 1; minus strand). Cytogenetic location: 14q32.12.
Variant type: single nucleotide variant.
Coding change: c.11G>A on transcript NM_178013.4 (MANE Select); coding-DNA position 11, G replaced by A.
Protein change: p.Arg4Gln; replaces arginine 4 with glutamine.
Molecular consequence: missense variant.
Genome position (GRCh38, 1-based): chr14:93,787,708, C>T on the plus strand (G>A on the coding strand, the complement: PRIMA1 is on the minus strand). VCF-style: chr14-93787708-C-T. GRCh37 (hg19) VCF-style: chr14-94254054-C-T.
Other names: short protein forms R4Q.
Identifiers: ClinVar variation 1498013 (VCV001498013.5), dbSNP rs924313155, ClinGen allele CA265792900.

ClinVar aggregate classification (germline): Uncertain significance (1 of 4 stars; one submission).

Conditions:
Familial sleep-related hypermotor epilepsy. Also called: Autosomal Dominant Sleep-Related Hypermotor (Hyperkinetic) Epilepsy. Identifiers: Orphanet 98784, MedGen C3696898, MONDO:0000030.

Allele frequency attached by ClinVar (database versions not stated): gnomAD 0.00001; gnomAD exomes 0.00001; TOPMed 0.00002.
gnomAD v4.1: 14 of 1,543,916 alleles (0.00091%); highest among the groups gnomAD compares: African/African-American, 0.0014%; no homozygotes.

Submission:

Labcorp Genetics (formerly Invitae), Labcorp
Classification: Uncertain significance for Familial sleep-related hypermotor epilepsy. Last evaluated: 2022-03-16. Review status: criteria provided, single submitter. Criteria: Invitae Variant Classification Sherloc (09022015). Collection method: clinical testing. Allele origin: germline.
Comment: This sequence change replaces arginine, which is basic and polar, with glutamine, which is neutral and polar, at codon 4 of the PRIMA1 protein (p.Arg4Gln). This variant is present in population databases (no rsID available, gnomAD 0.006%). This variant has not been reported in the literature in individuals affected with PRIMA1-related conditions. Algorithms developed to predict the effect of missense changes on protein structure and function are either unavailable or do not agree on the potential impact of this missense change (SIFT: "Deleterious"; PolyPhen-2: "Probably Damaging"; Align-GVGD: "Class C0"). Algorithms developed to predict the effect of sequence changes on RNA splicing suggest that this variant may create or strengthen a splice site. In summary, the available evidence is currently insufficient to determine the role of this variant in disease. Therefore, it has been classified as a Variant of Uncertain Significance.